The following is an entry in ClinVar:

NM_001482.3(GATM):c.485-11dup

Gene: GATM (glycine amidinotransferase; minus strand). Cytogenetic location: 15q21.1.
Variant type: Duplication.
Coding change: c.485-11dup on transcript NM_001482.3 (MANE Select); 11 bases into the intron before coding-DNA position 485, one base duplicated (T; older notation c.485-11dupT).
Molecular consequence: intron variant.
Genome position (GRCh38, 1-based): chr15:45,368,271, A duplicated on the plus strand (T on the coding strand, the reverse complement: GATM is on the minus strand); the first of 6 consecutive A bases (chr15:45,368,271-45,368,276); duplicating any one gives the same sequence. VCF-style (leftmost placement, unchanged base first): chr15-45368270-C-CA. GRCh37 (hg19) VCF-style: chr15-45660468-C-CA.
Other names: c.485-11dupT (NM_001482.3); c.98-11dup (NM_001321015.2).
Identifiers: ClinVar variation 1643431 (VCV001643431.10), dbSNP rs758611156, ClinGen allele CA7542908.

ClinVar aggregate classification (germline): Conflicting classifications of pathogenicity. Review status: criteria provided, conflicting classifications (1 of 4 stars). 3 submissions from 3 submitters: Uncertain significance (1); Benign (1); Likely benign (1). Last evaluated 2026-04-27.

Conditions:
Arginine:glycine amidinotransferase deficiency (CCDS3). Also called: L-Arginine:Glycine Amidinotransferase (AGAT) Deficiency; L-Arginine:Glycine Amidinotransferase Deficiency; AGAT deficiency; Creatine deficiency syndrome due to AGAT deficiency; Cerebral creatine deficiency syndrome 3; GATM deficiency. Identifiers: Orphanet 35704, MedGen C2675179, MONDO:0012996, OMIM 612718.

Submissions (3):

Women's Health and Genetics/Laboratory Corporation of America, LabCorp
Classification: Likely benign. Last evaluated: 2026-04-27. Review status: criteria provided, single submitter. Criteria: LabCorp Variant Classification Summary - May 2015. Collection method: clinical testing. Allele origin: germline.
Comment: Variant summary: GATM c.485-11dupT alters a nucleotide located at a position not widely known to affect splicing. Consensus agreement among computation tools predict no significant impact on normal splicing. However, these predictions have yet to be confirmed by functional studies. The variant allele was found at a frequency of 1.2e-05 in 250352 control chromosomes. The available data on variant occurrences in the general population are insufficient to allow any conclusion about variant significance. To our knowledge, no occurrence of c.485-11dupT in individuals affected with GATM-related conditions and no experimental evidence demonstrating its impact on protein function have been reported. ClinVar contains an entry for this variant (Variation ID: 1643431). Based on the evidence outlined above, the variant was classified as likely benign.

Labcorp Genetics (formerly Invitae), Labcorp
Classification: Benign for Arginine:glycine amidinotransferase deficiency. Last evaluated: 2025-11-12. Review status: criteria provided, single submitter. Criteria: Invitae Variant Classification Sherloc (09022015). Collection method: clinical testing. Allele origin: germline.

GeneDx
Classification: Uncertain significance. Last evaluated: 2024-08-02. Review status: criteria provided, single submitter. Criteria: GeneDx Variant Classification Process June 2021. Collection method: clinical testing. Allele origin: germline. Affected: yes.
Comment: Not observed at significant frequency in large population cohorts (gnomAD); In silico analysis indicates that this variant does not alter splicing; Has not been previously published as pathogenic or benign to our knowledge